The following is an entry in ClinVar:

NM_001735.3(C5):c.1461C>T (p.Thr487=)

Gene: C5 (complement C5; minus strand). Cytogenetic location: 9q33.2.
Variant type: single nucleotide variant.
Coding change: c.1461C>T on transcript NM_001735.3 (MANE Select); coding-DNA position 1461, C replaced by T.
Protein change: p.Thr487=; no amino-acid change (threonine 487 retained).
Molecular consequence: synonymous variant.
Genome position (GRCh38, 1-based): chr9:121,020,021, G>A on the plus strand (C>T on the coding strand, the complement: C5 is on the minus strand). VCF-style: chr9-121020021-G-A. GRCh37 (hg19) VCF-style: chr9-123782299-G-A.
Other names: p.Thr487=; c.1479C>T, p.Thr493= (NM_001317163.2); c.1461C>T, p.Thr487= (NM_001317164.2).
Identifiers: ClinVar variation 402456 (VCV000402456.20), dbSNP rs2230214, ClinGen allele CA5218072.
Genomic context (GRCh38, chr9:121,020,021, plus strand): 5'-TCATTATGTACTTACCAAGTAATTATAGTGAGTTATTTTGTCAATATATGGGCTTTTGGG[G>A]GTAACAATAATATTCAGATGTTCTCCCACTAGCAAAGCCTTATGGTTATCAGTCCAATCA-3'
Protein context (NP_001726.2, residues 477-497): LVGEHLNIIV[Thr487=]PKSPYIDKIT

ClinVar aggregate classification (germline): Benign/Likely benign. Review status: criteria provided, multiple submitters, no conflicts (2 of 4 stars). 8 submissions from 8 submitters: Benign (6); Likely benign (1). 1 of the submissions does not count toward it. Last evaluated 2026-02-04.

Conditions:
C5-related disorder. Also called: C5-related condition.

Allele frequency attached by ClinVar (database versions not stated): 1000 Genomes Project 0.08886; 1000 Genomes Project 30x 0.08948; gnomAD exomes 0.09052 and 0.10123; ExAC 0.09479; gnomAD 0.10678 and 0.10877; TOPMed 0.10786; ESP Exome Variant Server 0.11848.
gnomAD v4.1: 163,154 of 1,607,578 alleles (10%); highest among the groups gnomAD compares: African/African-American, 14%; 9,074 homozygotes.

Submissions (8):

Labcorp Genetics (formerly Invitae), Labcorp
Classification: Benign. Last evaluated: 2026-02-04. Review status: criteria provided, single submitter. Criteria: Invitae Variant Classification Sherloc (09022015). Collection method: clinical testing. Allele origin: germline.

Women's Health and Genetics/Laboratory Corporation of America, LabCorp
Classification: Benign. Last evaluated: 2026-01-21. Review status: criteria provided, single submitter. Criteria: LabCorp Variant Classification Summary - May 2015. Collection method: clinical testing. Allele origin: germline.

Blueprint Genetics
Classification: Likely benign. Last evaluated: 2024-11-27. Review status: criteria provided, single submitter. Criteria: ACMG Guidelines, 2015. Collection method: clinical testing. Allele origin: germline.

Mayo Clinic Laboratories, Mayo Clinic
Classification: Benign. Last evaluated: 2022-09-06. Review status: criteria provided, single submitter. Criteria: ACMG Guidelines, 2015. Collection method: clinical testing. Allele origin: germline. Observed: 3 variant alleles.

GeneDx
Classification: Benign. Last evaluated: 2018-11-27. Review status: criteria provided, single submitter. Criteria: GeneDx Variant Classification Process June 2021. Collection method: clinical testing. Allele origin: germline. Affected: yes.

Laboratory for Molecular Medicine, Mass General Brigham Personalized Medicine
Classification: Benign. Last evaluated: 2016-03-28. Review status: criteria provided, single submitter. Criteria: LMM Criteria. Collection method: clinical testing. Allele origin: germline.
Comment: Variant identified in a genome or exome case(s) and assessed due to predicted null impact of the variant or pathogenic assertions in the literature or databases. Disclaimer: This variant has not undergone full assessment. The following are preliminary notes: Frequency

Breakthrough Genomics
Classification: Benign. Review status: criteria provided, single submitter. Criteria: ACMG Guidelines, 2015. Collection method: not provided. Allele origin: germline. Inheritance: Autosomal recessive inheritance. Affected: yes.

PreventionGenetics, part of Exact Sciences
Classification: Benign for C5-related condition. Last evaluated: 2019-04-01. Review status: no assertion criteria provided. Collection method: clinical testing. Allele origin: germline. Not counted in ClinVar's aggregate classification.
Comment: This variant is classified as benign based on ACMG/AMP sequence variant interpretation guidelines (Richards et al. 2015 PMID: 25741868, with internal and published modifications).